The following is an entry in ClinVar:

NM_206933.4(USH2A):c.4687C>G (p.Pro1563Ala)

Gene: USH2A (usherin; minus strand). Cytogenetic location: 1q41.
Variant type: single nucleotide variant.
Coding change: c.4687C>G on transcript NM_206933.4 (MANE Select); coding-DNA position 4687, C replaced by G.
Protein change: p.Pro1563Ala; replaces proline 1563 with alanine.
Molecular consequence: missense variant.
Genome position (GRCh38, 1-based): chr1:216,097,154, G>C on the plus strand (C>G on the coding strand, the complement: USH2A is on the minus strand). VCF-style: chr1-216097154-G-C. GRCh37 (hg19) VCF-style: chr1-216270496-G-C.
Other names: short protein forms P1563A.
Identifiers: ClinVar variation 1477520 (VCV001477520.5), dbSNP rs370391920, ClinGen allele CA344861238.

ClinVar aggregate classification (germline): Uncertain significance (1 of 4 stars; one submission).

Allele frequency attached by ClinVar (database versions not stated): gnomAD 0.00002 and 0.00003.
gnomAD v4.1: 5 of 1,614,016 alleles (0.00031%); highest among the groups gnomAD compares: African/African-American, 0.0053%; no homozygotes.

Submission:

Labcorp Genetics (formerly Invitae), Labcorp
Classification: Uncertain significance. Last evaluated: 2022-06-13. Review status: criteria provided, single submitter. Criteria: Invitae Variant Classification Sherloc (09022015). Collection method: clinical testing. Allele origin: germline.
Comment: This sequence change replaces proline, which is neutral and non-polar, with alanine, which is neutral and non-polar, at codon 1563 of the USH2A protein (p.Pro1563Ala). This variant is not present in population databases (gnomAD no frequency). This variant has not been reported in the literature in individuals affected with USH2A-related conditions. Algorithms developed to predict the effect of missense changes on protein structure and function (SIFT, PolyPhen-2, Align-GVGD) all suggest that this variant is likely to be disruptive. In summary, the available evidence is currently insufficient to determine the role of this variant in disease. Therefore, it has been classified as a Variant of Uncertain Significance.